The following is an entry in ClinVar:

ClinVar aggregate classification (germline): Uncertain significance. Review status: criteria provided, multiple submitters, no conflicts (2 of 4 stars). 6 submissions from 6 submitters: Uncertain significance (5). 1 of the submissions does not count toward it. Last evaluated 2024-12-26.

Conditions:
Retinal dystrophy. Also called: Inherited retinal dystrophy. Identifiers: Orphanet 71862, MedGen C0854723, MeSH D058499, MONDO:0019118, HP:0000556.
Inborn genetic diseases. Identifiers: MedGen C0950123, MeSH D030342.
Autosomal recessive nonsyndromic hearing loss 18A. Also called: Deafness, autosomal recessive 18A; DEAFNESS, AUTOSOMAL RECESSIVE 18. Identifiers: Orphanet 90636, MedGen C1865870, MONDO:0011192, OMIM 602092.

Allele frequency attached by ClinVar (database versions not stated): gnomAD exomes 0.00004 and 0.00005; ExAC 0.00007; gnomAD 0.00007 and 0.00008; TOPMed 0.00007.

Submissions (6):

Laboratory of Prof. Karen Avraham, Tel Aviv University
Classification: Uncertain significance for Autosomal recessive nonsyndromic hearing loss 18A. Last evaluated: 2024-12-26. Review status: criteria provided, single submitter. Criteria: ACMG Guidelines, 2015. Collection method: research. Allele origin: germline. Affected: yes. Observed: 1 variant allele.
Comment: The USH1G c.955A>G:p.(Arg319Gly) heterozygous variant is very rare and predicted deleterious.

Blueprint Genetics
Classification: Uncertain significance. Last evaluated: 2024-10-14. Review status: criteria provided, single submitter. Criteria: ACMG Guidelines, 2015. Collection method: clinical testing. Allele origin: germline.

GeneDx
Classification: Uncertain significance. Last evaluated: 2024-08-19. Review status: criteria provided, single submitter. Criteria: GeneDx Variant Classification Process June 2021. Collection method: clinical testing. Allele origin: germline. Affected: yes.
Comment: In silico analysis supports that this missense variant has a deleterious effect on protein structure/function; Has not been previously published as pathogenic or benign to our knowledge

Labcorp Genetics (formerly Invitae), Labcorp
Classification: Uncertain significance. Last evaluated: 2022-10-13. Review status: criteria provided, single submitter. Criteria: Invitae Variant Classification Sherloc (09022015). Collection method: clinical testing. Allele origin: germline.
Comment: This sequence change replaces arginine, which is basic and polar, with glycine, which is neutral and non-polar, at codon 319 of the USH1G protein (p.Arg319Gly). This variant is present in population databases (rs780717575, gnomAD 0.01%). This variant has not been reported in the literature in individuals affected with USH1G-related conditions. ClinVar contains an entry for this variant (Variation ID: 856269). Advanced modeling of protein sequence and biophysical properties (such as structural, functional, and spatial information, amino acid conservation, physicochemical variation, residue mobility, and thermodynamic stability) performed at Invitae indicates that this missense variant is not expected to disrupt USH1G protein function. In summary, the available evidence is currently insufficient to determine the role of this variant in disease. Therefore, it has been classified as a Variant of Uncertain Significance.

Ambry Genetics
Classification: Uncertain significance for Inborn genetic diseases. Last evaluated: 2021-09-17. Review status: criteria provided, single submitter. Criteria: Ambry Variant Classification Scheme 2023. Collection method: clinical testing. Allele origin: germline.

Institute of Human Genetics, Univ. Regensburg, Univ. Regensburg
Classification: Uncertain significance for Retinal dystrophy. Last evaluated: 2018-01-01. Review status: no assertion criteria provided. Criteria: ACMG Guidelines, 2015. Collection method: clinical testing. Allele origin: germline. Affected: yes. Not counted in ClinVar's aggregate classification.

NM_173477.5(USH1G):c.955A>G (p.Arg319Gly)

Gene: USH1G (USH1 protein network component sans; minus strand). Cytogenetic location: 17q25.1.
Variant type: single nucleotide variant.
Coding change: c.955A>G on transcript NM_173477.5 (MANE Select); coding-DNA position 955, A replaced by G.
Protein change: p.Arg319Gly; replaces arginine 319 with glycine.
Molecular consequence: missense variant.
Genome position (GRCh38, 1-based): chr17:74,919,881, T>C on the plus strand (A>G on the coding strand, the complement: USH1G is on the minus strand). VCF-style: chr17-74919881-T-C. GRCh37 (hg19) VCF-style: chr17-72915976-T-C.
Other names: DFNB18A; c.646A>G, p.Arg216Gly (NM_001282489.3); short protein forms R319G, R216G.
Identifiers: ClinVar variation 856269 (VCV000856269.11), dbSNP rs780717575, ClinGen allele CA8753962.